The following is an entry in ClinVar:

ClinVar aggregate classification (germline): Uncertain significance. Review status: criteria provided, multiple submitters, no conflicts (2 of 4 stars). 3 submissions from 3 submitters: Uncertain significance (3). Last evaluated 2025-11-13.

Conditions:
Autosomal recessive nonsyndromic hearing loss 97. Also called: Deafness, autosomal recessive 97. Identifiers: Orphanet 90636, MedGen C4084709, MONDO:0014739, OMIM 616705.
Hereditary cancer-predisposing syndrome. Also called: Neoplastic Syndromes, Hereditary; Tumor predisposition; Hereditary Cancer Syndrome; Hereditary neoplastic syndrome. Identifiers: Orphanet 140162, MedGen C0027672, MeSH D009386, MONDO:0015356.
Renal cell carcinoma. Identifiers: Orphanet 217071, MedGen C0007134, MeSH D002292, MONDO:0005086, HP:0005584.

gnomAD v4.1: 6 of 1,614,134 alleles (0.00037%); highest among the groups gnomAD compares: African/African-American, 0.0013%; no homozygotes.

Submissions (3):

Ambry Genetics
Classification: Uncertain significance for Hereditary cancer-predisposing syndrome. Last evaluated: 2025-11-13. Review status: criteria provided, single submitter. Criteria: Ambry Variant Classification Scheme 2023. Collection method: clinical testing. Allele origin: germline.
Comment: The p.A423D variant (also known as c.1268C>A), located in coding exon 2 of the MET gene, results from a C to A substitution at nucleotide position 1268. The alanine at codon 423 is replaced by aspartic acid, an amino acid with dissimilar properties. This amino acid position is not well conserved in available vertebrate species. In addition, this alteration is predicted to be tolerated by in silico analysis. Based on the available evidence, the clinical significance of this variant remains unclear.

Labcorp Genetics (formerly Invitae), Labcorp
Classification: Uncertain significance for Renal cell carcinoma. Last evaluated: 2024-12-04. Review status: criteria provided, single submitter. Criteria: Invitae Variant Classification Sherloc (09022015). Collection method: clinical testing. Allele origin: germline.
Comment: This sequence change replaces alanine, which is neutral and non-polar, with aspartic acid, which is acidic and polar, at codon 423 of the MET protein (p.Ala423Asp). This variant is not present in population databases (gnomAD no frequency). This variant has not been reported in the literature in individuals affected with MET-related conditions. ClinVar contains an entry for this variant (Variation ID: 1764569). Invitae Evidence Modeling of protein sequence and biophysical properties (such as structural, functional, and spatial information, amino acid conservation, physicochemical variation, residue mobility, and thermodynamic stability) indicates that this missense variant is not expected to disrupt MET protein function with a negative predictive value of 80%. In summary, the available evidence is currently insufficient to determine the role of this variant in disease. Therefore, it has been classified as a Variant of Uncertain Significance.

Baylor Genetics
Classification: Uncertain significance for Autosomal recessive nonsyndromic hearing loss 97. Last evaluated: 2023-12-22. Review status: criteria provided, single submitter. Criteria: ACMG Guidelines, 2015. Collection method: clinical testing. Allele origin: unknown.

NM_000245.4(MET):c.1268C>A (p.Ala423Asp)

Gene: MET (MET proto-oncogene, receptor tyrosine kinase; plus strand). Cytogenetic location: 7q31.2.
Variant type: single nucleotide variant.
Coding change: c.1268C>A on transcript NM_000245.4 (MANE Select); coding-DNA position 1268, C replaced by A.
Protein change: p.Ala423Asp; replaces alanine 423 with aspartic acid.
Molecular consequence: missense variant. On other transcripts: 5 prime UTR variant (1).
Genome position (GRCh38, 1-based): chr7:116,731,735, C>A. VCF-style: chr7-116731735-C-A. GRCh37 (hg19) VCF-style: chr7-116371789-C-A.
Other names: c.1268C>A, p.Ala423Asp (NM_001127500.3, NM_001324401.3); c.-23C>A (NM_001324402.2); short protein forms A423D.
Identifiers: ClinVar variation 1764569 (VCV001764569.7), dbSNP rs2116781001, ClinGen allele CA368972811.